The following is an entry in ClinVar:

ClinVar aggregate classification (germline): Uncertain significance (1 of 4 stars; one submission).

Conditions:
NOS3-related disorder. Also called: NOS3-related condition.

Allele frequency attached by ClinVar (database versions not stated): gnomAD 0.00003; TOPMed 0.00003; gnomAD exomes 0.00004.
gnomAD v4.1: 60 of 1,494,054 alleles (0.004%); highest among the groups gnomAD compares: Non-Finnish European, 0.0048%; no homozygotes.

Submission:

PreventionGenetics, part of Exact Sciences
Classification: Uncertain significance for NOS3-related condition. Last evaluated: 2023-09-18. Review status: criteria provided, single submitter. Criteria: ACMG Guidelines, 2015. Collection method: clinical testing. Allele origin: germline.
Comment: The NOS3 c.292C>T variant is predicted to result in the amino acid substitution p.Arg98Cys. To our knowledge, this variant has not been reported in the literature. This variant is reported in 0.0078% of alleles in individuals of Latino descent in gnomAD. At this time, the clinical significance of this variant is uncertain due to the absence of conclusive functional and genetic evidence.

NM_000603.5(NOS3):c.292C>T (p.Arg98Cys)

Gene: NOS3 (nitric oxide synthase 3; plus strand). Cytogenetic location: 7q36.1.
Variant type: single nucleotide variant.
Coding change: c.292C>T on transcript NM_000603.5 (MANE Select); coding-DNA position 292, C replaced by T.
Protein change: p.Arg98Cys; replaces arginine 98 with cysteine.
Molecular consequence: missense variant.
Genome position (GRCh38, 1-based): chr7:150,996,425, C>T. VCF-style: chr7-150996425-C-T. GRCh37 (hg19) VCF-style: chr7-150693513-C-T.
Other names: c.292C>T, p.Arg98Cys (NM_001160109.2, NM_001160110.1, NM_001160111.1); short protein forms R98C.
Identifiers: ClinVar variation 2634980 (VCV002634980.1), dbSNP rs1404768705, ClinGen allele CA369851692.